The following is an entry in ClinVar:

ClinVar aggregate classification (germline): Uncertain significance (1 of 4 stars; one submission).

Conditions:
Inborn genetic diseases. Identifiers: MedGen C0950123, MeSH D030342.

gnomAD v4.1: 2 of 1,611,876 alleles (0.00012%); highest among the groups gnomAD compares: Non-Finnish European, 0.00017%; no homozygotes.

Submission:

Ambry Genetics
Classification: Uncertain significance for Inborn genetic diseases. Last evaluated: 2022-02-05. Review status: criteria provided, single submitter. Criteria: Ambry Variant Classification Scheme 2023. Collection method: clinical testing. Allele origin: germline.
Comment: The p.G151C variant (also known as c.451G>T), located in coding exon 5 of the RAD51 gene, results from a G to T substitution at nucleotide position 451. The glycine at codon 151 is replaced by cysteine, an amino acid with highly dissimilar properties. This amino acid position is conserved. In addition, the in silico prediction for this alteration is inconclusive. Since supporting evidence is limited at this time, the clinical significance of this alteration remains unclear.

NM_002875.5(RAD51):c.451G>T (p.Gly151Cys)

Gene: RAD51 (RAD51 recombinase; plus strand). Cytogenetic location: 15q15.1.
Variant type: single nucleotide variant.
Coding change: c.451G>T on transcript NM_002875.5 (MANE Select); coding-DNA position 451, G replaced by T.
Protein change: p.Gly151Cys; replaces glycine 151 with cysteine.
Molecular consequence: missense variant.
Genome position (GRCh38, 1-based): chr15:40,718,820, G>T. VCF-style: chr15-40718820-G-T. GRCh37 (hg19) VCF-style: chr15-41011018-G-T.
Other names: c.454G>T, p.Gly152Cys (NM_001164269.2, NM_133487.4); c.451G>T, p.Gly151Cys (NM_001164270.2); short protein forms G151C, G152C.
Identifiers: ClinVar variation 1741205 (VCV001741205.2), dbSNP rs1247974770, ClinGen allele CA391753285.